The following is an entry in ClinVar:

ClinVar aggregate classification (germline): Uncertain significance (1 of 4 stars; one submission).

gnomAD v4.1: 1 of 1,614,116 alleles (0.000062%); no homozygotes.

Submission:

Labcorp Genetics (formerly Invitae), Labcorp
Classification: Uncertain significance. Last evaluated: 2025-06-12. Review status: criteria provided, single submitter. Criteria: Invitae Variant Classification Sherloc (09022015). Collection method: clinical testing. Allele origin: germline.
Comment: This sequence change replaces aspartic acid, which is acidic and polar, with valine, which is neutral and non-polar, at codon 815 of the ANK1 protein (p.Asp815Val). This variant is not present in population databases (gnomAD no frequency). This variant has not been reported in the literature in individuals affected with ANK1-related conditions. ClinVar contains an entry for this variant (Variation ID: 3695447). Invitae Evidence Modeling of protein sequence and biophysical properties (such as structural, functional, and spatial information, amino acid conservation, physicochemical variation, residue mobility, and thermodynamic stability) indicates that this missense variant is not expected to disrupt ANK1 protein function with a negative predictive value of 80%. In summary, the available evidence is currently insufficient to determine the role of this variant in disease. Therefore, it has been classified as a Variant of Uncertain Significance.

NM_000037.4(ANK1):c.2444A>T (p.Asp815Val)

Gene: ANK1 (ankyrin 1; minus strand). Cytogenetic location: 8p11.21.
Variant type: single nucleotide variant.
Coding change: c.2444A>T on transcript NM_000037.4 (MANE Select); coding-DNA position 2444, A replaced by T.
Protein change: p.Asp815Val; replaces aspartic acid 815 with valine.
Molecular consequence: missense variant.
Genome position (GRCh38, 1-based): chr8:41,701,567, T>A on the plus strand (A>T on the coding strand, the complement: ANK1 is on the minus strand). VCF-style: chr8-41701567-T-A. GRCh37 (hg19) VCF-style: chr8-41559085-T-A.
Other names: c.2543A>T, p.Asp848Val (NM_001142446.2); c.2444A>T, p.Asp815Val (NM_020475.3, NM_020476.3, NM_020477.3); short protein forms D815V, D848V.
Identifiers: ClinVar variation 3695447 (VCV003695447.2).
Genomic context (GRCh38, chr8:41,701,567, plus strand): 5'-CCCCTCTGTCCCCACCAGCCTGAGCTCTTTACCCCAACGTTACCTTCATCTTCCGAGACA[T>A]CCAGGATCTCATCAACTGTCTCAGGGAAACTCATTCGATGCTTATCACTGACTAACTAAA-3'
Protein context (NP_000028.3, residues 805-825): SFPETVDEIL[Asp815Val]VSEDEGEELI